The following is an entry in ClinVar:

NM_022552.5(DNMT3A):c.1432C>A (p.Arg478=)

Gene: DNMT3A (DNA methyltransferase 3 alpha; minus strand). Cytogenetic location: 2p23.3.
Variant type: single nucleotide variant.
Coding change: c.1432C>A on transcript NM_022552.5 (MANE Select); coding-DNA position 1432, C replaced by A.
Protein change: p.Arg478=; no amino-acid change (arginine 478 retained).
Molecular consequence: synonymous variant. On other transcripts: non-coding transcript variant (1).
Genome position (GRCh38, 1-based): chr2:25,246,062, G>T on the plus strand (C>A on the coding strand, the complement: DNMT3A is on the minus strand). VCF-style: chr2-25246062-G-T. GRCh37 (hg19) VCF-style: chr2-25468931-G-T.
Other names: c.1432C>A, p.Arg478= (NM_175629.2); c.976C>A, p.Arg326= (NM_001320893.1); c.763C>A, p.Arg255= (NM_001375819.1); c.865C>A, p.Arg289= (NM_153759.3); c.1432C>A (NM_022552.3).
Identifiers: ClinVar variation 750746 (VCV000750746.7), dbSNP rs764944380, ClinGen allele CA1556013.

ClinVar aggregate classification (germline): Likely benign. Review status: criteria provided, multiple submitters, no conflicts (2 of 4 stars). 3 submissions from 3 submitters: Likely benign (2). 1 of the submissions does not count toward it. Last evaluated 2025-06-15.

Conditions:
DNMT3A-related disorder. Also called: DNMT3A-related condition; DNMT3A-related disorders.
Inborn genetic diseases. Identifiers: MedGen C0950123, MeSH D030342.
Tatton-Brown-Rahman overgrowth syndrome. Also called: Tatton-Brown-Rahman syndrome; Tall stature-intellectual disability-facial dysmorphism syndrome. Identifiers: Orphanet 404443, MedGen C4014545, MONDO:0014382, OMIM 615879.

Allele frequency attached by ClinVar (database versions not stated): gnomAD 0.00003; TOPMed 0.00004.
gnomAD v4.1: 56 of 1,614,042 alleles (0.0035%); highest among the groups gnomAD compares: Non-Finnish European, 0.0047%; no homozygotes.

Submissions (3):

Labcorp Genetics (formerly Invitae), Labcorp
Classification: Likely benign for Tatton-Brown-Rahman overgrowth syndrome. Last evaluated: 2025-06-15. Review status: criteria provided, single submitter. Criteria: Invitae Variant Classification Sherloc (09022015). Collection method: clinical testing. Allele origin: germline.

Ambry Genetics
Classification: Likely benign for Inborn genetic diseases. Last evaluated: 2025-01-10. Review status: criteria provided, single submitter. Criteria: Ambry Variant Classification Scheme 2023. Collection method: clinical testing. Allele origin: germline.

PreventionGenetics, part of Exact Sciences
Classification: Likely benign for DNMT3A-related condition. Last evaluated: 2021-10-05. Review status: no assertion criteria provided. Collection method: clinical testing. Allele origin: germline. Not counted in ClinVar's aggregate classification.
Comment: This variant is classified as likely benign based on ACMG/AMP sequence variant interpretation guidelines (Richards et al. 2015 PMID: 25741868, with internal and published modifications).